The following is an entry in ClinVar:

ClinVar aggregate classification (germline): Uncertain significance (1 of 4 stars; one submission).

Conditions:
Combined immunodeficiency due to LRBA deficiency. Also called: Common variable immunodeficiency 8, with autoimmunity. Identifiers: Orphanet 445018, MedGen C3553512, MONDO:0013863, OMIM 614700.

Submission:

Labcorp Genetics (formerly Invitae), Labcorp
Classification: Uncertain significance for Combined immunodeficiency due to LRBA deficiency. Last evaluated: 2020-03-10. Review status: criteria provided, single submitter. Criteria: Invitae Variant Classification Sherloc (09022015). Collection method: clinical testing. Allele origin: germline.
Comment: This variant, c.3035_3037del, results in the deletion of 1 amino acid(s) of the LRBA protein (p.Thr1012del), but otherwise preserves the integrity of the reading frame. This variant is not present in population databases (ExAC no frequency). This variant has not been reported in the literature in individuals with LRBA-related conditions. Experimental studies and prediction algorithms are not available or were not evaluated, and the functional significance of this variant is currently unknown. In summary, the available evidence is currently insufficient to determine the role of this variant in disease. Therefore, it has been classified as a Variant of Uncertain Significance.

NM_001364905.1(LRBA):c.3032CTA[1] (p.Thr1012del)

Gene: LRBA (LPS responsive beige-like anchor protein; minus strand). Cytogenetic location: 4q31.3.
Variant type: Microsatellite.
Coding change: c.3032CTA[1] on transcript NM_001364905.1 (MANE Select); one copy of the 3-base unit CTA starting at c.3032; the reference has two copies in a row; one copy, 3 bases deleted.
Protein change: p.Thr1012del; deletes threonine 1012.
Molecular consequence: inframe deletion. On other transcripts: inframe indel (2).
Genome position (GRCh38, 1-based): chr4:150,852,673-150,852,675, TAG deleted on the plus strand (CTA on the coding strand, the reverse complement: LRBA is on the minus strand); deleting any 3 consecutive bases within chr4:150,852,673-150,852,679 gives the same sequence; the position shown is the placement nearest the transcript's 3' end. VCF-style (leftmost placement, unchanged base first): chr4-150852672-TTAG-T. GRCh37 (hg19) VCF-style: chr4-151773824-TTAG-T.
Other names: c.3031_3033ACT[1], p.Thr1012del (NM_001199282.3, NM_006726.5); c.3032CTA[1], p.Thr1012del (NM_001367550.1); short protein forms T1012del.
Identifiers: ClinVar variation 1020948 (VCV001020948.8), dbSNP rs1750753342, ClinGen allele CA1503646114.
Genomic context (GRCh38, chr4:150,852,672, plus strand): 5'-GTGCCTTCATCTGGTAACTCCTGATTTTCTTGCTCAGCTTTCATTTCTTCATAAGATGTA[TTAG>T]TAGTTTGCAGTTCAATATTAGATGCAGATTCTAGTGAACTTGTCTTCTCTATACTTGAAT-3'